The following is an entry in ClinVar:

NM_001370259.2(MEN1):c.239T>G (p.Val80Gly)

Gene: MEN1 (menin 1; minus strand). Cytogenetic location: 11q13.1.
Variant type: single nucleotide variant.
Coding change: c.239T>G on transcript NM_001370259.2 (MANE Select); coding-DNA position 239, T replaced by G.
Protein change: p.Val80Gly; replaces valine 80 with glycine.
Molecular consequence: missense variant. On other transcripts: non-coding transcript variant (4).
Genome position (GRCh38, 1-based): chr11:64,809,871, A>C on the plus strand (T>G on the coding strand, the complement: MEN1 is on the minus strand). VCF-style: chr11-64809871-A-C. GRCh37 (hg19) VCF-style: chr11-64577343-A-C.
Other names: c.239T>G, p.Val80Gly (NM_000244.4, NM_001370251.2, NM_001370260.2 and 20 more transcripts); short protein forms V80G.
Identifiers: ClinVar variation 2450224 (VCV002450224.2), dbSNP rs2497274327, ClinGen allele CA381187578.

ClinVar aggregate classification (germline): Uncertain significance (1 of 4 stars; one submission).

Conditions:
Hereditary cancer-predisposing syndrome. Also called: Neoplastic Syndromes, Hereditary; Tumor predisposition; Hereditary neoplastic syndrome; Hereditary Cancer Syndrome. Identifiers: Orphanet 140162, MedGen C0027672, MeSH D009386, MONDO:0015356.

Submission:

Ambry Genetics
Classification: Uncertain significance for Hereditary cancer-predisposing syndrome. Last evaluated: 2022-12-27. Review status: criteria provided, single submitter. Criteria: Ambry Variant Classification Scheme 2023. Collection method: clinical testing. Allele origin: germline.
Comment: The p.V80G variant (also known as c.239T>G), located in coding exon 1 of the MEN1 gene, results from a T to G substitution at nucleotide position 239. The valine at codon 80 is replaced by glycine, an amino acid with dissimilar properties. This amino acid position is conserved. In addition, this alteration is predicted to be deleterious by in silico analysis. Since supporting evidence is limited at this time, the clinical significance of this alteration remains unclear.